The following is an entry in ClinVar:

NM_002435.3(MPI):c.253A>T (p.Lys85Ter)

Gene: MPI (mannose phosphate isomerase; plus strand). Cytogenetic location: 15q24.1.
Variant type: single nucleotide variant.
Coding change: c.253A>T on transcript NM_002435.3 (MANE Select); coding-DNA position 253, A replaced by T.
Protein change: p.Lys85Ter; replaces lysine 85 with a stop codon.
Molecular consequence: nonsense.
Genome position (GRCh38, 1-based): chr15:74,891,487, A>T. VCF-style: chr15-74891487-A-T. GRCh37 (hg19) VCF-style: chr15-75183828-A-T.
Other names: c.253A>T, p.Lys85Ter (NM_001289155.2, NM_001289157.2); c.103A>T, p.Lys35Ter (NM_001289156.2); c.193A>T, p.Lys65Ter (NM_001330372.2); short protein forms K35*, K65*, K85*.
Identifiers: ClinVar variation 3577712 (VCV003577712.2).
Genomic context (GRCh38, chr15:74,891,487, plus strand): 5'-CGCATCTCACAGAAGACCCTAAGCCAGTGGATTGCTGAGAACCAGGACAGCTTGGGCTCA[A>T]AGGTCAAGGACACCTTTAATGGCAACCTGCCCTTCCTCTTCAAAGTGCTCTCAGTTGAAA-3'

ClinVar aggregate classification (germline): Pathogenic/Likely pathogenic. Review status: criteria provided, multiple submitters, no conflicts (2 of 4 stars). 2 submissions from 2 submitters: Pathogenic (1); Likely pathogenic (1). Last evaluated 2026-04-08.

Conditions:
MPI-congenital disorder of glycosylation. Also called: CONGENITAL DISORDER OF GLYCOSYLATION, TYPE Ib; CDG Ib; MPI-CDG; MANNOSEPHOSPHATE ISOMERASE DEFICIENCY; PROTEIN-LOSING ENTEROPATHY-HEPATIC FIBROSIS SYNDROME; MPI DEFICIENCY. Identifiers: Orphanet 79319, MedGen C1865145, MONDO:0011257, OMIM 602579.

Submissions (2):

Myriad Genetics, Inc.
Classification: Pathogenic for MPI-congenital disorder of glycosylation. Last evaluated: 2026-04-08. Review status: criteria provided, single submitter. Criteria: Myriad Autosomal Dominant, Autosomal Recessive and X-Linked Classification Criteria (2023). Collection method: clinical testing. Allele origin: unknown.
Comment: NM_002435.1(MPI):c.253A>T(K85*) is a nonsense variant classified as pathogenic in the context of congenital disorder of glycosylation, MPI-related. K85* has not been observed in cases with relevant disease. Relevant functional assessments of this variant are not available in the literature. K85* has not been observed in referenced population frequency databases. In summary, NM_002435.1(MPI):c.253A>T(K85*) is a nonsense variant in a gene where loss of function is a known mechanism of disease and is predicted to disrupt protein function. Please note: this variant was assessed in the context of healthy population screening.

Fulgent Genetics
Classification: Likely pathogenic for MPI-congenital disorder of glycosylation. Last evaluated: 2024-02-01. Review status: criteria provided, single submitter. Criteria: ACMG Guidelines, 2015. Collection method: clinical testing. Allele origin: germline.